The following is an entry in ClinVar:

NM_001908.5(CTSB):c.1015A>G (p.Ile339Val)

Gene: CTSB (cathepsin B). Cytogenetic location: 8p23.1.
Variant type: single nucleotide variant.
Coding change: c.1015A>G on transcript NM_001908.5 (MANE Select); coding-DNA position 1015, A replaced by G.
Protein change: p.Ile339Val; replaces isoleucine 339 with valine.
Molecular consequence: missense variant.
Genome position (GRCh38, 1-based): chr8:11,845,130, T>C on the plus strand (A>G on the coding strand, the complement: CTSB is on the minus strand). VCF-style: chr8-11845130-T-C. GRCh37 (hg19) VCF-style: chr8-11702639-T-C.
Other names: c.643A>G, p.Ile215Val (NM_001317237.2); c.1015A>G, p.Ile339Val (NM_001384714.1, NM_001384723.1, NM_001384724.1 and 8 more transcripts); short protein forms I339V, I215V.
Identifiers: ClinVar variation 1911979 (VCV001911979.5), dbSNP rs777528154, ClinGen allele CA4632313.
Genomic context (GRCh38, chr8:11,845,130, plus strand): 5'-ATGCATTTCTACCCCGATCTCGCCCCCAGGACTGGCACGACAGGCCCACGGCAGATTAGA[T>C]CTTTTCCCAGTACTGATCGGTGCGTGGAATTCCAGCCACCACTTCTGATTCGATTCCACA-3'
Protein context (NP_001899.1, residues 329-339): IPRTDQYWEK[Ile339Val]

ClinVar aggregate classification (germline): Uncertain significance (1 of 4 stars; one submission).

Allele frequency attached by ClinVar (database versions not stated): ExAC 0.00003.

Submission:

Labcorp Genetics (formerly Invitae), Labcorp
Classification: Uncertain significance. Last evaluated: 2021-12-22. Review status: criteria provided, single submitter. Criteria: Invitae Variant Classification Sherloc (09022015). Collection method: clinical testing. Allele origin: germline.
Comment: In summary, the available evidence is currently insufficient to determine the role of this variant in disease. Therefore, it has been classified as a Variant of Uncertain Significance. Algorithms developed to predict the effect of missense changes on protein structure and function are either unavailable or do not agree on the potential impact of this missense change (SIFT: "Not Available"; PolyPhen-2: "Benign"; Align-GVGD: "Not Available"). This variant has not been reported in the literature in individuals affected with CTSB-related conditions. This variant is present in population databases (rs777528154, gnomAD 0.002%). This sequence change replaces isoleucine, which is neutral and non-polar, with valine, which is neutral and non-polar, at codon 339 of the CTSB protein (p.Ile339Val).